The following is an entry in ClinVar:

ClinVar aggregate classification (germline): Likely pathogenic (1 of 4 stars; one submission).

Conditions:
Primary ciliary dyskinesia 3. Identifiers: Orphanet 244, MedGen C1837618, MONDO:0012085, OMIM 608644.

Submission:

Myriad Genetics, Inc.
Classification: Likely pathogenic for Primary ciliary dyskinesia 3. Last evaluated: 2022-03-29. Review status: criteria provided, single submitter. Criteria: Myriad Women's Health Autosomal Recessive and X-Linked Classification Criteria (2021). Collection method: clinical testing. Allele origin: unknown.
Comment: NM_001369.2(DNAH5):c.2969_2970delCA(T990Nfs*2) is expected to be pathogenic in the context of DNAH5-related primary ciliary dyskinesia. This variant is predicted to lead to an abnormal or absent protein product due to the creation of a premature termination codon in DNAH5, a gene where loss-of-function variants are known to be pathogenic. Please note: this variant was assessed in the context of healthy population screening.

NM_001369.3(DNAH5):c.2969_2970del (p.Thr990fs)

Genes: DNAH5 (dynein axonemal heavy chain 5; minus strand), DNAH5-AS1 (DNAH5 antisense RNA 1; plus strand). Cytogenetic location: 5p15.2.
Variant type: Microsatellite.
Coding change: c.2969_2970del on transcript NM_001369.3 (MANE Select); coding-DNA positions 2969 to 2970, 2 bases deleted (CA; older notation c.2969_2970delCA).
Protein change: p.Thr990fs; shifts the reading frame from threonine 990.
Molecular consequence: frameshift variant.
Genome position (GRCh38, 1-based): chr5:13,885,002-13,885,003, TG deleted on the plus strand (CA on the coding strand, the reverse complement: DNAH5 is on the minus strand); deleting any 2 consecutive bases within chr5:13,885,002-13,885,007 gives the same sequence; the c. name uses the placement nearest the transcript's 3' end. VCF-style (leftmost placement, unchanged base first): chr5-13885001-TTG-T. GRCh37 (hg19) VCF-style: chr5-13885110-TTG-T.
Other names: short protein forms T990fs.
Identifiers: ClinVar variation 1725495 (VCV001725495.2), dbSNP rs2547037218, ClinGen allele CA2580613524.
Genomic context (GRCh38, chr5:13,885,001, plus strand): 5'-AGCAACTATGCCTGATCATCCACTAAGCAAACCACACAAGATTATTACCCCGGAAGTTAA[TTG>T]TGTGAGAGGAATGAATACGTTTGCGAATGGCCTCTAGTGTATTCCTTGTAACTTTCAGAA-3'